The following is an entry in ClinVar:

ClinVar aggregate classification (germline): Uncertain significance (1 of 4 stars; one submission).

Conditions:
Cardiovascular phenotype. Identifiers: MedGen CN230736.

Allele frequency attached by ClinVar (database versions not stated): gnomAD exomes below 0.00001.
gnomAD v4.1: 2 of 1,602,942 alleles (0.00012%); highest among the groups gnomAD compares: Non-Finnish European, 0.00017%; no homozygotes.

Submission:

Ambry Genetics
Classification: Uncertain significance for Cardiovascular phenotype. Last evaluated: 2022-03-03. Review status: criteria provided, single submitter. Criteria: Ambry Variant Classification Scheme 2023. Collection method: clinical testing. Allele origin: germline.
Comment: The p.E142Q variant (also known as c.424G>C), located in coding exon 3 of the FKBP14 gene, results from a G to C substitution at nucleotide position 424. The glutamic acid at codon 142 is replaced by glutamine, an amino acid with highly similar properties. This amino acid position is conserved. In addition, the in silico prediction for this alteration is inconclusive. Since supporting evidence is limited at this time, the clinical significance of this alteration remains unclear.

NM_017946.4(FKBP14):c.424G>C (p.Glu142Gln)

Genes: FKBP14 (FKBP prolyl isomerase 14; minus strand), FKBP14-AS1 (FKBP14 antisense RNA 1; plus strand). Cytogenetic location: 7p14.3.
Variant type: single nucleotide variant.
Coding change: c.424G>C on transcript NM_017946.4 (MANE Select); coding-DNA position 424, G replaced by C.
Protein change: p.Glu142Gln; replaces glutamic acid 142 with glutamine.
Molecular consequence: missense variant. On other transcripts: non-coding transcript variant (2).
Genome position (GRCh38, 1-based): chr7:30,019,049, C>G on the plus strand (G>C on the coding strand, the complement: FKBP14 is on the minus strand). VCF-style: chr7-30019049-C-G. GRCh37 (hg19) VCF-style: chr7-30058665-C-G.
Other names: short protein forms E142Q.
Identifiers: ClinVar variation 1739075 (VCV001739075.2), dbSNP rs2483513114, ClinGen allele CA367116807.